The following is an entry in ClinVar:

NM_001035.3(RYR2):c.11169G>C (p.Lys3723Asn)

Gene: RYR2 (ryanodine receptor 2; plus strand). Cytogenetic location: 1q43.
Variant type: single nucleotide variant.
Coding change: c.11169G>C on transcript NM_001035.3 (MANE Select); coding-DNA position 11169, G replaced by C.
Protein change: p.Lys3723Asn; replaces lysine 3723 with asparagine.
Molecular consequence: missense variant.
Genome position (GRCh38, 1-based): chr1:237,756,311, G>C. VCF-style: chr1-237756311-G-C. GRCh37 (hg19) VCF-style: chr1-237919611-G-C.
Other names: short protein forms K3723N.
Identifiers: ClinVar variation 855337 (VCV000855337.10), dbSNP rs1692948108, ClinGen allele CA345425802.

ClinVar aggregate classification (germline): Uncertain significance. Review status: criteria provided, multiple submitters, no conflicts (2 of 4 stars). 2 submissions from 2 submitters: Uncertain significance (2). Last evaluated 2025-08-03.

Conditions:
Catecholaminergic polymorphic ventricular tachycardia 1. Also called: VENTRICULAR TACHYCARDIA, CATECHOLAMINERGIC POLYMORPHIC, 1, WITH OR WITHOUT ATRIAL DYSFUNCTION AND/OR DILATED CARDIOMYOPATHY; VENTRICULAR TACHYCARDIA, STRESS-INDUCED POLYMORPHIC 1; RYR2-Related Catecholaminergic Polymorphic Ventricular Tachycardia. Identifiers: Orphanet 3286, MedGen C1631597, MONDO:0011484, OMIM 604772.

Allele frequency attached by ClinVar (database versions not stated): gnomAD exomes below 0.00001.
gnomAD v4.1: 4 of 1,613,354 alleles (0.00025%); highest among the groups gnomAD compares: African/African-American, 0.0053%; no homozygotes.

Submissions (2):

GeneDx
Classification: Uncertain significance. Last evaluated: 2025-08-03. Review status: criteria provided, single submitter. Criteria: GeneDx Variant Classification Process June 2021. Collection method: clinical testing. Allele origin: germline. Affected: yes.
Comment: Not observed at significant frequency in large population cohorts (gnomAD); In silico analysis supports that this missense variant has a deleterious effect on protein structure/function; Has not been previously published as pathogenic or benign to our knowledge; Not located in one of the three hot-spot regions of the RYR2 gene, where the majority of pathogenic missense variants occur (PMID: 19926015); This variant is associated with the following publications: (PMID: 19926015)

Labcorp Genetics (formerly Invitae), Labcorp
Classification: Uncertain significance for Catecholaminergic polymorphic ventricular tachycardia 1. Last evaluated: 2025-05-27. Review status: criteria provided, single submitter. Criteria: Invitae Variant Classification Sherloc (09022015). Collection method: clinical testing. Allele origin: germline.
Comment: This sequence change replaces lysine, which is basic and polar, with asparagine, which is neutral and polar, at codon 3723 of the RYR2 protein (p.Lys3723Asn). This variant is not present in population databases (gnomAD no frequency). This variant has not been reported in the literature in individuals affected with RYR2-related conditions. ClinVar contains an entry for this variant (Variation ID: 855337). Invitae Evidence Modeling of protein sequence and biophysical properties (such as structural, functional, and spatial information, amino acid conservation, physicochemical variation, residue mobility, and thermodynamic stability) indicates that this missense variant is not expected to disrupt RYR2 protein function with a negative predictive value of 95%. In summary, the available evidence is currently insufficient to determine the role of this variant in disease. Therefore, it has been classified as a Variant of Uncertain Significance.